The following is an entry in ClinVar:

NM_000891.3(KCNJ2):c.1131A>T (p.Glu377Asp)

Gene: KCNJ2 (potassium inwardly rectifying channel subfamily J member 2; plus strand). Cytogenetic location: 17q24.3.
Variant type: single nucleotide variant.
Coding change: c.1131A>T on transcript NM_000891.3 (MANE Select); coding-DNA position 1131, A replaced by T.
Protein change: p.Glu377Asp; replaces glutamic acid 377 with aspartic acid.
Molecular consequence: missense variant.
Genome position (GRCh38, 1-based): chr17:70,176,170, A>T. VCF-style: chr17-70176170-A-T. GRCh37 (hg19) VCF-style: chr17-68172311-A-T.
Other names: short protein forms E377D.
Identifiers: ClinVar variation 3573695 (VCV003573695.1).
Genomic context (GRCh38, chr17:70,176,170, plus strand): 5'-TGCCAGAGACTTAGCAGAAAAGAAATATATCCTCTCAAATGCAAATTCATTTTGCTATGA[A>T]AATGAAGTTGCCCTCACAAGCAAAGAGGAAGACGACAGTGAAAATGGAGTTCCAGAAAGC-3'
Protein context (NP_000882.1, residues 367-387): ILSNANSFCY[Glu377Asp]NEVALTSKEE

ClinVar aggregate classification (germline): Uncertain significance (1 of 4 stars; one submission).

Submission:

GeneDx
Classification: Uncertain significance. Last evaluated: 2024-07-17. Review status: criteria provided, single submitter. Criteria: GeneDx Variant Classification Process June 2021. Collection method: clinical testing. Allele origin: germline. Affected: yes.
Comment: Not observed at significant frequency in large population cohorts (gnomAD); In silico analysis indicates that this missense variant does not alter protein structure/function; Has not been previously published as pathogenic or benign to our knowledge